The following is an entry in ClinVar:

ClinVar aggregate classification (germline): Uncertain significance (1 of 4 stars; one submission).

Conditions:
Granulomatous disease, chronic, autosomal recessive, cytochrome b-positive, type 3. Also called: GRANULOMATOUS DISEASE, CHRONIC, AUTOSOMAL RECESSIVE, 3; GRANULOMATOUS DISEASE, CHRONIC, DUE TO NCF4 DEFICIENCY; Granulomatous disease, chronic, autosomal recessive, cytochrome b-positive, type III; CGD, AUTOSOMAL RECESSIVE CYTOCHROME b-POSITIVE, TYPE III. Identifiers: Orphanet 379, MedGen C3151409, MONDO:0013507, OMIM 613960.

Submission:

Labcorp Genetics (formerly Invitae), Labcorp
Classification: Uncertain significance for Granulomatous disease, chronic, autosomal recessive, cytochrome b-positive, type 3. Last evaluated: 2024-04-15. Review status: criteria provided, single submitter. Criteria: Invitae Variant Classification Sherloc (09022015). Collection method: clinical testing. Allele origin: germline.
Comment: This sequence change replaces leucine, which is neutral and non-polar, with proline, which is neutral and non-polar, at codon 269 of the NCF4 protein (p.Leu269Pro). This variant is not present in population databases (gnomAD no frequency). This variant has not been reported in the literature in individuals affected with NCF4-related conditions. ClinVar contains an entry for this variant (Variation ID: 2109743). An algorithm developed to predict the effect of missense changes on protein structure and function (PolyPhen-2) suggests that this variant is likely to be disruptive. In summary, the available evidence is currently insufficient to determine the role of this variant in disease. Therefore, it has been classified as a Variant of Uncertain Significance.

NM_000631.5(NCF4):c.758+48T>C

Gene: NCF4 (neutrophil cytosolic factor 4; plus strand). Cytogenetic location: 22q12.3.
Variant type: single nucleotide variant.
Coding change: c.758+48T>C on transcript NM_000631.5 (MANE Select); 48 bases into the intron after coding-DNA position 758, T replaced by C.
Molecular consequence: intron variant. On other transcripts: missense variant (1).
Genome position (GRCh38, 1-based): chr22:36,875,831, T>C. VCF-style: chr22-36875831-T-C. GRCh37 (hg19) VCF-style: chr22-37271873-T-C.
Other names: c.806T>C, p.Leu269Pro (NM_013416.4); short protein forms L269P.
Identifiers: ClinVar variation 2109743 (VCV002109743.4), dbSNP rs2517929110, ClinGen allele CA411389323.